The following is an entry in ClinVar:

NM_182643.3(DLC1):c.1160G>A (p.Arg387Gln)

Gene: DLC1 (DLC1 Rho GTPase activating protein; minus strand). Cytogenetic location: 8p22.
Variant type: single nucleotide variant.
Coding change: c.1160G>A on transcript NM_182643.3 (MANE Select); coding-DNA position 1160, G replaced by A.
Protein change: p.Arg387Gln; replaces arginine 387 with glutamine.
Molecular consequence: missense variant. On other transcripts: 5 prime UTR variant (1).
Genome position (GRCh38, 1-based): chr8:13,401,483, C>T on the plus strand (G>A on the coding strand, the complement: DLC1 is on the minus strand). VCF-style: chr8-13401483-C-T. GRCh37 (hg19) VCF-style: chr8-13258992-C-T.
Other names: c.1160G>A, p.Arg387Gln (NM_001348081.2, NM_001413124.1, NM_001413125.1 and 1 more transcripts); c.-292G>A (NM_001348082.2); short protein forms R387Q.
Identifiers: ClinVar variation 2400031 (VCV002400031.6), dbSNP rs779069462, ClinGen allele CA4639264.
Genomic context (GRCh38, chr8:13,401,483, plus strand): 5'-AGAGTTACGACTCCTATGGGAAAAGAAGTAGAAAGTGGAAAGCTCACAGGAACGTGCCGC[C>T]GCAGGTTTGTTGGTGTGCCTGATGGAGAGGAGCTGGTGCTGAGGGCATTTTCTATGTCCT-3'
Protein context (NP_872584.2, residues 377-397): SSPSGTPTNL[Arg387Gln]RHVPDLESGS

ClinVar aggregate classification (germline): Conflicting classifications of pathogenicity. Review status: criteria provided, conflicting classifications (1 of 4 stars). 4 submissions from 4 submitters: Uncertain significance (3); Likely benign (1). Last evaluated 2024-05-29.

Conditions:
Colorectal cancer. Also called: Colorectal cancer, somatic; Malignant Colorectal Neoplasm. Identifiers: MedGen C0346629, MONDO:0005575, OMIM 114500.

Allele frequency attached by ClinVar (database versions not stated): ExAC 0.00005; TOPMed 0.00006; gnomAD exomes 0.00010.
gnomAD v4.1: 149 of 1,612,254 alleles (0.0092%); highest among the groups gnomAD compares: East Asian, 0.036%; 1 homozygote.

Submissions (4):

Labcorp Genetics (formerly Invitae), Labcorp
Classification: Uncertain significance. Last evaluated: 2024-05-29. Review status: criteria provided, single submitter. Criteria: Invitae Variant Classification Sherloc (09022015). Collection method: clinical testing. Allele origin: germline.
Comment: This sequence change replaces arginine, which is basic and polar, with glutamine, which is neutral and polar, at codon 387 of the DLC1 protein (p.Arg387Gln). This variant is present in population databases (rs779069462, gnomAD 0.04%). This variant has not been reported in the literature in individuals affected with DLC1-related conditions. ClinVar contains an entry for this variant (Variation ID: 2400031). Algorithms developed to predict the effect of missense changes on protein structure and function output the following: SIFT: "Not Available"; PolyPhen-2: "Benign"; Align-GVGD: "Not Available". The glutamine amino acid residue is found in multiple mammalian species, which suggests that this missense change does not adversely affect protein function. In summary, the available evidence is currently insufficient to determine the role of this variant in disease. Therefore, it has been classified as a Variant of Uncertain Significance.

Fulgent Genetics
Classification: Uncertain significance for Colorectal cancer. Last evaluated: 2024-03-07. Review status: criteria provided, single submitter. Criteria: ACMG Guidelines, 2015. Collection method: clinical testing. Allele origin: germline.

Ambry Genetics
Classification: Likely benign. Last evaluated: 2024-01-09. Review status: criteria provided, single submitter. Criteria: Ambry Variant Classification Scheme 2023. Collection method: clinical testing. Allele origin: germline.

Blueprint Genetics
Classification: Uncertain significance. Last evaluated: 2023-12-22. Review status: criteria provided, single submitter. Criteria: ACMG Guidelines, 2015. Collection method: clinical testing. Allele origin: germline.